The following is an entry in ClinVar:

ClinVar aggregate classification (germline): Uncertain significance (1 of 4 stars; one submission).

Conditions:
Hereditary cancer-predisposing syndrome. Also called: Hereditary neoplastic syndrome; Neoplastic Syndromes, Hereditary; Tumor predisposition; Hereditary Cancer Syndrome. Identifiers: Orphanet 140162, MedGen C0027672, MeSH D009386, MONDO:0015356.

Submission:

Ambry Genetics
Classification: Uncertain significance for Hereditary cancer-predisposing syndrome. Last evaluated: 2025-03-05. Review status: criteria provided, single submitter. Criteria: Ambry Variant Classification Scheme 2023. Collection method: clinical testing. Allele origin: germline.
Comment: The p.Q175R variant (also known as c.524A>G), located in coding exon 1 of the GREM1 gene, results from an A to G substitution at nucleotide position 524. The glutamine at codon 175 is replaced by arginine, an amino acid with highly similar properties. This amino acid position is conserved. In addition, this alteration is predicted to be tolerated by in silico analysis. Based on the available evidence, the clinical significance of this variant remains unclear.

NM_013372.7(GREM1):c.524A>G (p.Gln175Arg)

Gene: GREM1 (gremlin 1, DAN family BMP antagonist; plus strand). Cytogenetic location: 15q13.3.
Variant type: single nucleotide variant.
Coding change: c.524A>G on transcript NM_013372.7 (MANE Select); coding-DNA position 524, A replaced by G.
Protein change: p.Gln175Arg; replaces glutamine 175 with arginine.
Molecular consequence: missense variant.
Genome position (GRCh38, 1-based): chr15:32,731,214, A>G. VCF-style: chr15-32731214-A-G. GRCh37 (hg19) VCF-style: chr15-33023415-A-G.
Other names: c.314A>G, p.Gln105Arg (NM_001191322.2); c.401A>G, p.Gln134Arg (NM_001191323.2); c.524A>G, p.Gln175Arg (NM_001368719.1); short protein forms Q134R, Q105R, Q175R.
Identifiers: ClinVar variation 3855668 (VCV003855668.1).
Genomic context (GRCh38, chr15:32,731,214, plus strand): 5'-CACTCAACTGCCCTGAACTACAGCCACCTACCAAGAAGAAGAGAGTCACACGTGTGAAGC[A>G]GTGTCGTTGCATATCCATCGATTTGGATTAAGCCAAATCCAGGTGCACCCAGCATGTCCT-3'
Protein context (NP_037504.1, residues 165-184): TKKKRVTRVK[Gln175Arg]CRCISIDLD